The following is an entry in ClinVar:

ClinVar aggregate classification (germline): Pathogenic (1 of 4 stars; one submission).

Conditions:
Familial adenomatous polyposis 1 (FAP1). Also called: FAMILIAL ADENOMATOUS POLYPOSIS 1, ATTENUATED; POLYPOSIS, ADENOMATOUS INTESTINAL. Identifiers: MedGen C2713442, MONDO:0021056, OMIM 175100. Disease mechanism: loss of function.

Submission:

Labcorp Genetics (formerly Invitae), Labcorp
Classification: Pathogenic for Familial adenomatous polyposis 1. Last evaluated: 2023-09-30. Review status: criteria provided, single submitter. Criteria: Invitae Variant Classification Sherloc (09022015). Collection method: clinical testing. Allele origin: germline.
Comment: For these reasons, this variant has been classified as Pathogenic. This variant disrupts a region of the APC protein in which other variant(s) (p.Tyr2645Lysfs*14) have been determined to be pathogenic (PMID: 1316610, 8381579, 9824584, 22135120, 27081525). This suggests that this is a clinically significant region of the protein, and that variants that disrupt it are likely to be disease-causing. ClinVar contains an entry for this variant (Variation ID: 2027448). This variant has not been reported in the literature in individuals affected with APC-related conditions. This variant is not present in population databases (gnomAD no frequency). This sequence change creates a premature translational stop signal (p.Leu2168Glnfs*14) in the APC gene. While this is not anticipated to result in nonsense mediated decay, it is expected to disrupt the last 676 amino acid(s) of the APC protein.

Literature cited by the submitters: PubMed 1316610; PubMed 8381579; PubMed 9824584; PubMed 22135120; PubMed 27081525.

NM_000038.6(APC):c.6503del (p.Leu2168fs)

Gene: APC (APC regulator of Wnt signaling pathway; plus strand). Cytogenetic location: 5q22.2.
Variant type: Deletion.
Coding change: c.6503del on transcript NM_000038.6 (MANE Select); coding-DNA position 6503, one base deleted (T; older notation c.6503delT).
Protein change: p.Leu2168fs; shifts the reading frame from leucine 2168.
Molecular consequence: frameshift variant.
Genome position (GRCh38, 1-based): chr5:112,842,097, T deleted. VCF-style (leftmost placement, unchanged base first): chr5-112842096-CT-C. GRCh37 (hg19) VCF-style: chr5-112177793-CT-C.
Other names: c.6503del, p.Leu2168fs (NM_001127510.3, NM_001354895.2); c.6449del, p.Leu2150fs (NM_001127511.3); c.6557del, p.Leu2186fs (NM_001354896.2); c.6533del, p.Leu2178fs (NM_001354897.2); c.6428del, p.Leu2143fs (NM_001354898.2); c.6419del, p.Leu2140fs (NM_001354899.2); c.6380del, p.Leu2127fs (NM_001354900.2); c.6326del, p.Leu2109fs (NM_001354901.2); and 16 more; short protein forms L2143fs, L2168fs, L2186fs, L2042fs, L2109fs, L2077fs, L2127fs, L2140fs.
Identifiers: ClinVar variation 2027448 (VCV002027448.4), dbSNP rs2533719449, ClinGen allele CA2580072348.